The following is an entry in ClinVar:

ClinVar aggregate classification (germline): Pathogenic (1 of 4 stars; one submission).

Allele frequency attached by ClinVar (database versions not stated): gnomAD exomes below 0.00001.

Submission:

GeneDx
Classification: Pathogenic. Last evaluated: 2018-12-17. Review status: criteria provided, single submitter. Criteria: GeneDx Variant Classification (06012015). Collection method: clinical testing. Allele origin: germline. Affected: yes.
Comment: The c.226-1G>T variant in the COL1A2 gene has not been reported previously as a pathogenic variant nor as a benign variant, to our knowledge. However, splice site variants at this same position (c.226-1G>C, c.226-1G>A) have been reported in the Human Gene Mutation Database in association with arthrochalasia Ehlers-Danlos syndrome (Stenson et al., 2014). This splice site variant destroys the canonical splice acceptor site in intron 5, which is predicted to cause abnormal gene splicing. The c.226-1G>T variant is not observed in large population cohorts (Lek et al., 2016). We interpret c.226-1G>T as a lpathogenic variant.

NM_000089.4(COL1A2):c.226-1G>T

Gene: COL1A2 (collagen type I alpha 2 chain; plus strand). Cytogenetic location: 7q21.3.
Variant type: single nucleotide variant.
Coding change: c.226-1G>T on transcript NM_000089.4 (MANE Select); the canonical splice acceptor site of the intron before coding-DNA position 226, G replaced by T.
Molecular consequence: splice acceptor variant.
Genome position (GRCh38, 1-based): chr7:94,401,566, G>T. VCF-style: chr7-94401566-G-T. GRCh37 (hg19) VCF-style: chr7-94030878-G-T.
Identifiers: ClinVar variation 489113 (VCV000489113.2), dbSNP rs66820119, ClinGen allele CA368219290.
Genomic context (GRCh38, chr7:94,401,566, plus strand): 5'-CATGACTAGTAACTAAAAATATTTTATATATATATATAATTTTTTTTTTTTACTTCTCTA[G>T]AACTTTGCTGCTCAGTATGATGGAAAAGGAGTTGGACTTGGCCCTGGACCAATGGTATGC-3'